The following is an entry in ClinVar:

NM_017763.6(RNF43):c.1573A>C (p.Ser525Arg)

Gene: RNF43 (ring finger protein 43; minus strand). Cytogenetic location: 17q22.
Variant type: single nucleotide variant.
Coding change: c.1573A>C on transcript NM_017763.6 (MANE Select); coding-DNA position 1573, A replaced by C.
Protein change: p.Ser525Arg; replaces serine 525 with arginine.
Molecular consequence: missense variant.
Genome position (GRCh38, 1-based): chr17:58,358,203, T>G on the plus strand (A>C on the coding strand, the complement: RNF43 is on the minus strand). VCF-style: chr17-58358203-T-G. GRCh37 (hg19) VCF-style: chr17-56435564-T-G.
Other names: c.1573A>C, p.Ser525Arg (NM_001305544.3); c.1192A>C, p.Ser398Arg (NM_001305545.2); short protein forms S525R, S398R.
Identifiers: ClinVar variation 2729934 (VCV002729934.3), dbSNP rs2143407648, ClinGen allele CA400329332.
Genomic context (GRCh38, chr17:58,358,203, plus strand): 5'-AAACCTGGGTTTCCCCTGTGGGCACCACCGAGTCCAAGGAACGAGGCCGAGAGGTCACAC[T>G]AGGCTGCATGTCCACTCGCTGGGGATCCCCTTTAGGGCTGCAGTACACTAGGGGGTCAAA-3'
Protein context (NP_060233.3, residues 515-535): GDPQRVDMQP[Ser525Arg]VTSRPRSLDS

ClinVar aggregate classification (germline): Uncertain significance (1 of 4 stars; one submission).

Submission:

Labcorp Genetics (formerly Invitae), Labcorp
Classification: Uncertain significance. Last evaluated: 2023-06-27. Review status: criteria provided, single submitter. Criteria: Invitae Variant Classification Sherloc (09022015). Collection method: clinical testing. Allele origin: germline.
Comment: In summary, the available evidence is currently insufficient to determine the role of this variant in disease. Therefore, it has been classified as a Variant of Uncertain Significance. Algorithms developed to predict the effect of missense changes on protein structure and function output the following: SIFT: "Not Available"; PolyPhen-2: "Benign"; Align-GVGD: "Not Available". The arginine amino acid residue is found in multiple mammalian species, which suggests that this missense change does not adversely affect protein function. This variant has not been reported in the literature in individuals affected with RNF43-related conditions. This variant is not present in population databases (gnomAD no frequency). This sequence change replaces serine, which is neutral and polar, with arginine, which is basic and polar, at codon 525 of the RNF43 protein (p.Ser525Arg).